The following is an entry in ClinVar:

NM_152564.5(VPS13B):c.8097+10T>C

Gene: VPS13B (vacuolar protein sorting 13 homolog B; plus strand). Cytogenetic location: 8q22.2.
Variant type: single nucleotide variant.
Coding change: c.8097+10T>C on transcript NM_152564.5 (MANE Select); 10 bases into the intron after coding-DNA position 8097, T replaced by C.
Molecular consequence: intron variant.
Genome position (GRCh38, 1-based): chr8:99,809,540, T>C. VCF-style: chr8-99809540-T-C. GRCh37 (hg19) VCF-style: chr8-100821768-T-C.
Other names: c.8172+10T>C (NM_017890.5); c.8097+10T>C (NM_152564.4).
Identifiers: ClinVar variation 1090407 (VCV001090407.11), dbSNP rs971919054, ClinGen allele CA182322446.

ClinVar aggregate classification (germline): Likely benign. Review status: criteria provided, multiple submitters, no conflicts (2 of 4 stars). 3 submissions from 3 submitters: Likely benign (2). 1 of the submissions does not count toward it. Last evaluated 2026-01-19.

Conditions:
VPS13B-related disorder. Also called: VPS13B-related condition.
Cohen syndrome (COH1). Also called: Cutis verticis gyrata, retinitis pigmentosa, and sensorineural deafness; PEPPER SYNDROME. Identifiers: Orphanet 193, MedGen C0265223, MONDO:0008999, OMIM 216550.

Allele frequency attached by ClinVar (database versions not stated): gnomAD exomes 0.00001; gnomAD 0.00007 and 0.00008; TOPMed 0.00024.
gnomAD v4.1: 26 of 1,613,838 alleles (0.0016%); highest among the groups gnomAD compares: Admixed American, 0.023%; no homozygotes.

Submissions (3):

Labcorp Genetics (formerly Invitae), Labcorp
Classification: Likely benign for Cohen syndrome. Last evaluated: 2026-01-19. Review status: criteria provided, single submitter. Criteria: Invitae Variant Classification Sherloc (09022015). Collection method: clinical testing. Allele origin: germline.

Blueprint Genetics
Classification: Likely benign. Last evaluated: 2021-09-20. Review status: criteria provided, single submitter. Criteria: ACMG Guidelines, 2015. Collection method: clinical testing. Allele origin: germline.

PreventionGenetics, part of Exact Sciences
Classification: Likely benign for VPS13B-related condition. Last evaluated: 2019-11-21. Review status: no assertion criteria provided. Collection method: clinical testing. Allele origin: germline. Not counted in ClinVar's aggregate classification.
Comment: This variant is classified as likely benign based on ACMG/AMP sequence variant interpretation guidelines (Richards et al. 2015 PMID: 25741868, with internal and published modifications).